The following is an entry in ClinVar:

ClinVar aggregate classification (germline): Pathogenic (1 of 4 stars; one submission).

Conditions:
Neurofibromatosis, type 1 (NF1). Also called: NEUROFIBROMATOSIS, TYPE I, SOMATIC; Peripheral type neurofibromatosis; Neurofibromatosis, type I; VON RECKLINGHAUSEN DISEASE. Identifiers: Orphanet 636, MedGen C0027831, MONDO:0018975, OMIM 162200. Disease mechanism: loss of function.

Submission:

Labcorp Genetics (formerly Invitae), Labcorp
Classification: Pathogenic for Neurofibromatosis, type 1. Last evaluated: 2024-11-07. Review status: criteria provided, single submitter. Criteria: Invitae Variant Classification Sherloc (09022015). Collection method: clinical testing. Allele origin: germline.
Comment: This sequence change creates a premature translational stop signal (p.Phe1778*) in the NF1 gene. It is expected to result in an absent or disrupted protein product. Loss-of-function variants in NF1 are known to be pathogenic (PMID: 10712197, 23913538). This variant is not present in population databases (gnomAD no frequency). This variant has not been reported in the literature in individuals affected with NF1-related conditions. For these reasons, this variant has been classified as Pathogenic.

Literature cited by the submitters: PubMed 10712197; PubMed 23913538.

NM_001042492.3(NF1):c.5396_5402del (p.Gln1798_Phe1799insTer)

Gene: NF1 (neurofibromin 1; plus strand). Cytogenetic location: 17q11.2.
Variant type: Deletion.
Coding change: c.5396_5402del on transcript NM_001042492.3 (MANE Select); coding-DNA positions 5396 to 5402, 7 bases deleted (TCACCTT; older notation c.5396_5402delTCACCTT).
Protein change: p.Gln1798_Phe1799insTer.
Molecular consequence: nonsense. On other transcripts: frameshift variant (1).
Genome position (GRCh38, 1-based): chr17:31,327,626-31,327,632, TCACCTT deleted; deleting any 7 consecutive bases within chr17:31,327,625-31,327,632 gives the same sequence; the c. name uses the placement nearest the transcript's 3' end. VCF-style (leftmost placement, unchanged base first): chr17-31327624-GTTCACCT-G. GRCh37 (hg19) VCF-style: chr17-29654642-GTTCACCT-G.
Other names: c.5333_5339delTCACCTT, p.Phe1778Terfs (NM_000267.4).
Identifiers: ClinVar variation 3724821 (VCV003724821.2).